The following is an entry in ClinVar:

NM_006031.6(PCNT):c.9035T>C (p.Val3012Ala)

Gene: PCNT (pericentrin; plus strand). Cytogenetic location: 21q22.3.
Variant type: single nucleotide variant.
Coding change: c.9035T>C on transcript NM_006031.6 (MANE Select); coding-DNA position 9035, T replaced by C.
Protein change: p.Val3012Ala; replaces valine 3012 with alanine.
Molecular consequence: missense variant.
Genome position (GRCh38, 1-based): chr21:46,437,017, T>C. VCF-style: chr21-46437017-T-C. GRCh37 (hg19) VCF-style: chr21-47856930-T-C.
Other names: c.8444T>C, p.Val2815Ala (NM_001315529.2); short protein forms V3012A, V2815A.
Identifiers: ClinVar variation 436232 (VCV000436232.7), dbSNP rs557745291, ClinGen allele CA10081179.

ClinVar aggregate classification (germline): Uncertain significance. Review status: criteria provided, multiple submitters, no conflicts (2 of 4 stars). 2 submissions from 2 submitters: Uncertain significance (2). Last evaluated 2024-12-02.

Conditions:
PCNT-related disorder. Also called: PCNT-related condition.

Allele frequency attached by ClinVar (database versions not stated): gnomAD 0.00001; ExAC 0.00003; gnomAD exomes 0.00003; 1000 Genomes Project 30x 0.00031; 1000 Genomes Project 0.00040.
gnomAD v4.1: 17 of 1,614,148 alleles (0.0011%); highest among the groups gnomAD compares: South Asian, 0.019%; no homozygotes.

Submissions (2):

PreventionGenetics, part of Exact Sciences
Classification: Uncertain significance for PCNT-related condition. Last evaluated: 2024-12-02. Review status: criteria provided, single submitter. Criteria: ACMG Guidelines, 2015. Collection method: clinical testing. Allele origin: germline.
Comment: The PCNT c.9035T>C variant is predicted to result in the amino acid substitution p.Val3012Ala. To our knowledge, this variant has not been reported in the literature. This variant is reported in 0.023% of alleles in individuals of South Asian descent in gnomAD. At this time, the clinical significance of this variant is uncertain due to the absence of conclusive functional and genetic evidence.

Genetic Services Laboratory, University of Chicago
Classification: Uncertain significance. Last evaluated: 2016-01-05. Review status: criteria provided, single submitter. Criteria: ACMG Guidelines, 2015. Collection method: clinical testing. Allele origin: germline. Affected: no.